The following is an entry in ClinVar:

ClinVar aggregate classification (germline): Likely benign. Review status: criteria provided, multiple submitters, no conflicts (2 of 4 stars). 3 submissions from 3 submitters: Likely benign (3). Last evaluated 2025-12-15.

Conditions:
Brugada syndrome 4 (BRGDA4). Identifiers: Orphanet 130, MedGen C2678477, MONDO:0012743, OMIM 611876.
Cardiovascular phenotype. Identifiers: MedGen CN230736.

Allele frequency attached by ClinVar (database versions not stated): TOPMed 0.00001.
gnomAD v4.1: 13 of 1,613,396 alleles (0.00081%); highest among the groups gnomAD compares: East Asian, 0.027%; no homozygotes.

Submissions (3):

Labcorp Genetics (formerly Invitae), Labcorp
Classification: Likely benign for Brugada syndrome 4. Last evaluated: 2025-12-15. Review status: criteria provided, single submitter. Criteria: Invitae Variant Classification Sherloc (09022015). Collection method: clinical testing. Allele origin: germline.

Ambry Genetics
Classification: Likely benign for Cardiovascular phenotype. Last evaluated: 2017-07-06. Review status: criteria provided, single submitter. Criteria: Ambry Variant Classification Scheme 2023. Collection method: clinical testing. Allele origin: germline.

GeneDx
Classification: Likely benign. Last evaluated: 2017-03-31. Review status: criteria provided, single submitter. Criteria: GeneDx Variant Classification (06012015). Collection method: clinical testing. Allele origin: germline. Affected: yes.
Comment: This variant is considered likely benign or benign based on one or more of the following criteria: it is a conservative change, it occurs at a poorly conserved position in the protein, it is predicted to be benign by multiple in silico algorithms, and/or has population frequency not consistent with disease.

NM_201596.3(CACNB2):c.1935A>G (p.Lys645=)

Gene: CACNB2 (calcium voltage-gated channel auxiliary subunit beta 2; plus strand). Cytogenetic location: 10p12.31.
Variant type: single nucleotide variant.
Coding change: c.1935A>G on transcript NM_201596.3 (MANE Select); coding-DNA position 1935, A replaced by G.
Protein change: p.Lys645=; no amino-acid change (lysine 645 retained).
Molecular consequence: synonymous variant.
Genome position (GRCh38, 1-based): chr10:18,539,676, A>G. VCF-style: chr10-18539676-A-G. GRCh37 (hg19) VCF-style: chr10-18828605-A-G.
Other names: c.1770A>G, p.Lys590= (NM_000724.4); c.1737A>G, p.Lys579= (NM_001167945.2); c.1656A>G, p.Lys552= (NM_001330060.2); c.1791A>G, p.Lys597= (NM_201570.3); c.1851A>G, p.Lys617= (NM_201571.4); c.1779A>G, p.Lys593= (NM_201572.4); c.1773A>G, p.Lys591= (NM_201590.3); c.1821A>G, p.Lys607= (NM_201593.3); and 1 more.
Identifiers: ClinVar variation 416845 (VCV000416845.15), dbSNP rs772752419, ClinGen allele CA5430211.